The following is an entry in ClinVar:

NM_001042492.3(NF1):c.616A>G (p.Lys206Glu)

Gene: NF1 (neurofibromin 1; plus strand). Cytogenetic location: 17q11.2.
Variant type: single nucleotide variant.
Coding change: c.616A>G on transcript NM_001042492.3 (MANE Select); coding-DNA position 616, A replaced by G.
Protein change: p.Lys206Glu; replaces lysine 206 with glutamic acid.
Molecular consequence: missense variant.
Genome position (GRCh38, 1-based): chr17:31,181,451, A>G. VCF-style: chr17-31181451-A-G. GRCh37 (hg19) VCF-style: chr17-29508469-A-G.
Other names: c.616A>G, p.Lys206Glu (NM_000267.4, NM_001128147.3); short protein forms K206E.
Identifiers: ClinVar variation 404454 (VCV000404454.8), dbSNP rs1060500269, ClinGen allele CA16615413.

ClinVar aggregate classification (germline): Uncertain significance. Review status: criteria provided, multiple submitters, no conflicts (2 of 4 stars). 2 submissions from 2 submitters: Uncertain significance (2). Last evaluated 2023-08-30.

Conditions:
Hereditary cancer-predisposing syndrome. Also called: Tumor predisposition; Neoplastic Syndromes, Hereditary; Hereditary Cancer Syndrome; Hereditary neoplastic syndrome. Identifiers: Orphanet 140162, MedGen C0027672, MeSH D009386, MONDO:0015356.
Cardiovascular phenotype. Identifiers: MedGen CN230736.
Neurofibromatosis, type 1 (NF1). Also called: Neurofibromatosis, type I; NEUROFIBROMATOSIS, TYPE I, SOMATIC; Peripheral type neurofibromatosis; VON RECKLINGHAUSEN DISEASE. Identifiers: Orphanet 636, MedGen C0027831, MONDO:0018975, OMIM 162200. Disease mechanism: loss of function.

Submissions (2):

Ambry Genetics
Classification: Uncertain significance for Cardiovascular phenotype; Hereditary cancer-predisposing syndrome. Last evaluated: 2023-08-30. Review status: criteria provided, single submitter. Criteria: Ambry Variant Classification Scheme 2023. Collection method: clinical testing. Allele origin: germline.
Comment: The p.K206E variant (also known as c.616A>G), located in coding exon 6 of the NF1 gene, results from an A to G substitution at nucleotide position 616. The lysine at codon 206 is replaced by glutamic acid, an amino acid with similar properties. This amino acid position is highly conserved in available vertebrate species. In addition, this alteration is predicted to be deleterious by in silico analysis. Since supporting evidence is limited at this time, the clinical significance of this alteration remains unclear.

Labcorp Genetics (formerly Invitae), Labcorp
Classification: Uncertain significance for Neurofibromatosis, type 1. Last evaluated: 2019-11-07. Review status: criteria provided, single submitter. Criteria: Invitae Variant Classification Sherloc (09022015). Collection method: clinical testing. Allele origin: germline.
Comment: In summary, this variant is a novel missense change with uncertain impact on protein function. It has been classified as a Variant of Uncertain Significance. Algorithms developed to predict the effect of missense changes on protein structure and function do not agree on the potential impact of this missense change (SIFT: "Tolerated"; PolyPhen-2: "Probably Damaging"; Align-GVGD: "Class C0"). This variant is not present in population databases (ExAC no frequency) and has not been reported in the literature in individuals with a NF1-related disease. This sequence change replaces lysine with glutamic acid at codon 206 of the NF1 protein (p.Lys206Glu). The lysine residue is highly conserved and there is a small physicochemical difference between lysine and glutamic acid.